The following is an entry in ClinVar:

ClinVar aggregate classification (germline): Benign (0 of 4 stars; one submission).

Conditions:
MDN1-related disorder. Also called: MDN1-related condition.

Allele frequency attached by ClinVar (database versions not stated): ExAC 0.00177; gnomAD 0.00584; 1000 Genomes Project 0.00599; 1000 Genomes Project 30x 0.00640; TOPMed 0.00649; ESP Exome Variant Server 0.00669.
gnomAD v4.1: 1,738 of 1,614,046 alleles (0.11%); highest among the groups gnomAD compares: African/African-American, 2%; 17 homozygotes.

Submission:

PreventionGenetics, part of Exact Sciences
Classification: Benign for MDN1-related condition. Last evaluated: 2019-02-22. Review status: no assertion criteria provided. Collection method: clinical testing. Allele origin: germline.
Comment: This variant is classified as benign based on ACMG/AMP sequence variant interpretation guidelines (Richards et al. 2015 PMID: 25741868, with internal and published modifications).

NM_014611.3(MDN1):c.3131C>T (p.Ala1044Val)

Gene: MDN1 (midasin AAA ATPase 1; minus strand). Cytogenetic location: 6q15.
Variant type: single nucleotide variant.
Coding change: c.3131C>T on transcript NM_014611.3 (MANE Select); coding-DNA position 3131, C replaced by T.
Protein change: p.Ala1044Val; replaces alanine 1044 with valine.
Molecular consequence: missense variant.
Genome position (GRCh38, 1-based): chr6:89,751,527, G>A on the plus strand (C>T on the coding strand, the complement: MDN1 is on the minus strand). VCF-style: chr6-89751527-G-A. GRCh37 (hg19) VCF-style: chr6-90461246-G-A.
Other names: short protein forms A1044V.
Identifiers: ClinVar variation 3053534 (VCV003053534.2), dbSNP rs34764513, ClinGen allele CA3925443.
Genomic context (GRCh38, chr6:89,751,527, plus strand): 5'-AGCTTCACAGAAGATGTCAGAATGTACGTCTCATCTATTGTAGGCTCCTTGTCTCCCACC[G>A]CAATCCAGTAGCCTTCAACCTGGATAAGCCGACCTCCTTTTGGCTCTGGAATAGGCTGAA-3'
Protein context (NP_055426.1, residues 1034-1054): RLIQVEGYWI[Ala1044Val]VGDKEPTIDE